The following is an entry in ClinVar:

ClinVar aggregate classification (germline): Uncertain significance (1 of 4 stars; one submission).

Allele frequency attached by ClinVar (database versions not stated): gnomAD 0.00001; gnomAD exomes 0.00001; 1000 Genomes Project 30x 0.00016.
gnomAD v4.1: 7 of 693,524 alleles (0.001%); highest among the groups gnomAD compares: Admixed American, 0.006%; no homozygotes.

Submission:

Labcorp Genetics (formerly Invitae), Labcorp
Classification: Uncertain significance. Last evaluated: 2022-01-20. Review status: criteria provided, single submitter. Criteria: Invitae Variant Classification Sherloc (09022015). Collection method: clinical testing. Allele origin: germline.
Comment: This variant is present in population databases (no rsID available, gnomAD 0.009%). In summary, the available evidence is currently insufficient to determine the role of this variant in disease. Therefore, it has been classified as a Variant of Uncertain Significance. Experimental studies and prediction algorithms are not available or were not evaluated, and the functional significance of this variant is currently unknown. This variant has not been reported in the literature in individuals affected with RNU4ATAC-related conditions. This variant occurs in the RNU4ATAC gene, which encodes an RNA molecule that does not result in a protein product.

NC_000002.12:g.121530889T>C

Genes: CLASP1 (cytoplasmic linker associated protein 1; minus strand), CLASP1-AS1 (CLASP1 antisense RNA 1; plus strand), RNU4ATAC (RNA, U4atac small nuclear; plus strand). Cytogenetic location: 2q14.2.
Variant type: single nucleotide variant.
Molecular consequence: intron variant (on NM_001395891.1).
Genome position: GRCh38 VCF-style: chr2-121530889-T-C. GRCh37 (hg19) VCF-style: chr2-122288465-T-C.
Other names: c.196-564A>G (NM_001142274.2, NM_015282.3, NM_001378003.1 and 5 more transcripts).
Identifiers: ClinVar variation 1916491 (VCV001916491.5), dbSNP rs1559533161, ClinGen allele CA428887794.